The following is an entry in ClinVar:

ClinVar aggregate classification (germline): Uncertain significance (1 of 4 stars; one submission).

Conditions:
Inborn genetic diseases. Identifiers: MedGen C0950123, MeSH D030342.

Submission:

Ambry Genetics
Classification: Uncertain significance for Inborn genetic diseases. Last evaluated: 2026-03-11. Review status: criteria provided, single submitter. Criteria: Ambry Variant Classification Scheme 2023. Collection method: clinical testing. Allele origin: germline.
Comment: The p.D291E variant (also known as c.873C>G), located in coding exon 3 of the SH2B3 gene, results from a C to G substitution at nucleotide position 873. The aspartic acid at codon 291 is replaced by glutamic acid, an amino acid with highly similar properties. This amino acid position is conserved. In addition, this alteration is predicted to be tolerated by in silico analysis. Based on the available evidence, the clinical significance of this variant remains unclear.

NM_005475.3(SH2B3):c.873C>G (p.Asp291Glu)

Gene: SH2B3 (SH2B adaptor protein 3; plus strand). Cytogenetic location: 12q24.12.
Variant type: single nucleotide variant.
Coding change: c.873C>G on transcript NM_005475.3 (MANE Select); coding-DNA position 873, C replaced by G.
Protein change: p.Asp291Glu; replaces aspartic acid 291 with glutamic acid.
Molecular consequence: missense variant.
Genome position (GRCh38, 1-based): chr12:111,446,980, C>G. VCF-style: chr12-111446980-C-G. GRCh37 (hg19) VCF-style: chr12-111884784-C-G.
Other names: c.267C>G, p.Asp89Glu (NM_001291424.1); short protein forms D89E, D291E.
Identifiers: ClinVar variation 4826780 (VCV004826780.1).